The following is an entry in ClinVar:

ClinVar aggregate classification (germline): Uncertain significance (1 of 4 stars; one submission).

Conditions:
Hereditary cancer-predisposing syndrome. Also called: Hereditary Cancer Syndrome; Hereditary neoplastic syndrome; Neoplastic Syndromes, Hereditary; Tumor predisposition. Identifiers: Orphanet 140162, MedGen C0027672, MeSH D009386, MONDO:0015356.

Submission:

Ambry Genetics
Classification: Uncertain significance for Hereditary cancer-predisposing syndrome. Last evaluated: 2020-12-18. Review status: criteria provided, single submitter. Criteria: Ambry Variant Classification Scheme 2023. Collection method: clinical testing. Allele origin: germline.
Comment: The p.D462E variant (also known as c.1386T>A), located in coding exon 14 of the POLE gene, results from a T to A substitution at nucleotide position 1386. The aspartic acid at codon 462 is replaced by glutamic acid, an amino acid with highly similar properties. This amino acid position is highly conserved in available vertebrate species. In addition, the in silico prediction for this alteration is inconclusive. Since supporting evidence is limited at this time, the clinical significance of this alteration remains unclear.

NM_006231.4(POLE):c.1386T>A (p.Asp462Glu)

Gene: POLE (DNA polymerase epsilon, catalytic subunit; minus strand). Cytogenetic location: 12q24.33.
Variant type: single nucleotide variant.
Coding change: c.1386T>A on transcript NM_006231.4 (MANE Select); coding-DNA position 1386, T replaced by A.
Protein change: p.Asp462Glu; replaces aspartic acid 462 with glutamic acid.
Molecular consequence: missense variant.
Genome position (GRCh38, 1-based): chr12:132,673,251, A>T on the plus strand (T>A on the coding strand, the complement: POLE is on the minus strand). VCF-style: chr12-132673251-A-T. GRCh37 (hg19) VCF-style: chr12-133249837-A-T.
Other names: short protein forms D462E.
Identifiers: ClinVar variation 1771417 (VCV001771417.2), dbSNP rs2135996743, ClinGen allele CA387358679.